The following is an entry in ClinVar:

ClinVar aggregate classification (germline): Uncertain significance. Review status: criteria provided, multiple submitters, no conflicts (2 of 4 stars). 2 submissions from 2 submitters: Uncertain significance (2). Last evaluated 2021-09-08.

Conditions:
Deficiency of aromatic-L-amino-acid decarboxylase. Also called: Aromatic L-Amino Acid Decarboxylase Deficiency; Aromatic amino acid decarboxylase deficiency; AADC DEFICIENCY; DDC DEFICIENCY; DOPA DECARBOXYLASE DEFICIENCY. Identifiers: Orphanet 35708, MedGen C1291564, MONDO:0012084, OMIM 608643.

Submissions (2):

Pittsburgh Clinical Genomics Laboratory, University of Pittsburgh Medical Center
Classification: Uncertain significance for Deficiency of aromatic-L-amino-acid decarboxylase. Last evaluated: 2021-09-08. Review status: criteria provided, single submitter. Criteria: ACMG Guidelines, 2015. Collection method: clinical testing. Allele origin: germline. Inheritance: Autosomal recessive inheritance. Affected: yes.
Comment: This sequence variant is a single nucleotide substitution that results in an aspartic acid to histidine amino acid change at position 59 of the DDC protein. This variant has not been previously reported to clinical variant repositories (ClinVar) and has not been reported in the literature in individuals with DDC-related disease. This variant is also absent from control population datasets (gnomAD database 0/~250,000 alleles). Bioinformatic tools predict that this variant would be damaging, and the Asp59 residue is highly conserved across the vertebrate species examined. Functiol studies examining the consequence of this variant on protein structure or activity have not been performed, to our knowledge. At this time, there is insufficient evidence to determine if this variant is pathogenic or benign. Therefore, we consider this to be a variant of uncertain significance. ACMG Criteria: PM2, PP3

Labcorp Genetics (formerly Invitae), Labcorp
Classification: Uncertain significance for Deficiency of aromatic-L-amino-acid decarboxylase. Last evaluated: 2021-01-14. Review status: criteria provided, single submitter. Criteria: Invitae Variant Classification Sherloc (09022015). Collection method: clinical testing. Allele origin: germline.
Comment: This sequence change replaces aspartic acid with histidine at codon 59 of the DDC protein (p.Asp59His). The aspartic acid residue is highly conserved and there is a moderate physicochemical difference between aspartic acid and histidine. This variant is not present in population databases (ExAC no frequency). This variant has not been reported in the literature in individuals with DDC-related conditions. Algorithms developed to predict the effect of missense changes on protein structure and function (SIFT, PolyPhen-2, Align-GVGD) all suggest that this variant is likely to be disruptive, but these predictions have not been confirmed by published functional studies and their clinical significance is uncertain. In summary, the available evidence is currently insufficient to determine the role of this variant in disease. Therefore, it has been classified as a Variant of Uncertain Significance.

NM_001082971.2(DDC):c.175G>C (p.Asp59His)

Gene: DDC (dopa decarboxylase; minus strand). Cytogenetic location: 7p12.1.
Variant type: single nucleotide variant.
Coding change: c.175G>C on transcript NM_001082971.2 (MANE Select); coding-DNA position 175, G replaced by C.
Protein change: p.Asp59His; replaces aspartic acid 59 with histidine.
Molecular consequence: missense variant.
Genome position (GRCh38, 1-based): chr7:50,543,911, C>G on the plus strand (G>C on the coding strand, the complement: DDC is on the minus strand). VCF-style: chr7-50543911-C-G. GRCh37 (hg19) VCF-style: chr7-50611609-C-G.
Other names: c.175G>C, p.Asp59His (NM_000790.4, NM_001242886.2, NM_001242887.2 and 3 more transcripts); short protein forms D59H.
Identifiers: ClinVar variation 1502553 (VCV001502553.9), dbSNP rs931702374, ClinGen allele CA367531461.